The following is an entry in ClinVar:

ClinVar aggregate classification (germline): Uncertain significance (1 of 4 stars; one submission).

Conditions:
TP63-Related Spectrum Disorders.

gnomAD v4.1: 2 of 1,613,450 alleles (0.00012%); highest among the groups gnomAD compares: Admixed American, 0.0033%; no homozygotes.

Submission:

Labcorp Genetics (formerly Invitae), Labcorp
Classification: Uncertain significance. Last evaluated: 2024-06-19. Review status: criteria provided, single submitter. Criteria: Invitae Variant Classification Sherloc (09022015). Collection method: clinical testing. Allele origin: germline.
Comment: This sequence change replaces threonine, which is neutral and polar, with alanine, which is neutral and non-polar, at codon 633 of the TP63 protein (p.Thr633Ala). This variant is present in population databases (rs777952899, gnomAD 0.006%). This variant has not been reported in the literature in individuals affected with TP63-related conditions. Advanced modeling of protein sequence and biophysical properties (such as structural, functional, and spatial information, amino acid conservation, physicochemical variation, residue mobility, and thermodynamic stability) has been performed at Invitae for this missense variant, however the output from this modeling did not meet the statistical confidence thresholds required to predict the impact of this variant on TP63 protein function. In summary, the available evidence is currently insufficient to determine the role of this variant in disease. Therefore, it has been classified as a Variant of Uncertain Significance.

NM_003722.5(TP63):c.1897A>G (p.Thr633Ala)

Gene: TP63 (tumor protein p63; plus strand). Cytogenetic location: 3q28.
Variant type: single nucleotide variant.
Coding change: c.1897A>G on transcript NM_003722.5 (MANE Select); coding-DNA position 1897, A replaced by G.
Protein change: p.Thr633Ala; replaces threonine 633 with alanine.
Molecular consequence: missense variant. On other transcripts: 3 prime UTR variant (6).
Genome position (GRCh38, 1-based): chr3:189,894,356, A>G. VCF-style: chr3-189894356-A-G. GRCh37 (hg19) VCF-style: chr3-189612145-A-G.
Other names: c.*135A>G (NM_001114978.2, NM_001114981.2); c.1615A>G, p.Thr539Ala (NM_001114980.2); c.*125A>G (NM_001329144.2, NM_001329145.2, NM_001329149.2 and 1 more transcripts); c.1360A>G, p.Thr454Ala (NM_001329146.2); c.1885A>G, p.Thr629Ala (NM_001329148.2); c.1891A>G, p.Thr631Ala (NM_001329964.2); short protein forms T454A, T539A, T629A, T631A, T633A.
Identifiers: ClinVar variation 3623522 (VCV003623522.1).